The following is an entry in ClinVar:

ClinVar aggregate classification (germline): Uncertain significance. Review status: criteria provided, multiple submitters, no conflicts (2 of 4 stars). 4 submissions from 4 submitters: Uncertain significance (4). Last evaluated 2022-05-27.

Conditions:
Cardiovascular phenotype. Identifiers: MedGen CN230736.
Glycogen storage disease, type II (IOPD). Also called: Glucosidase acid-1,4-alpha deficiency; Pompe Disease; POMPE DISEASE, INFANTILE-ONSET; GLYCOGEN STORAGE DISEASE II, INFANTILE-ONSET; ACID ALPHA-GLUCOSIDASE DEFICIENCY, INFANTILE-ONSET; GAA DEFICIENCY, INFANTILE-ONSET. Identifiers: Orphanet 365, MedGen C0017921, MONDO:0009290, OMIM 232300.

Allele frequency attached by ClinVar (database versions not stated): gnomAD exomes below 0.00001; ExAC 0.00001.
gnomAD v4.1: 2 of 1,613,758 alleles (0.00012%); highest among the groups gnomAD compares: Non-Finnish European, 0.00017%; no homozygotes.

Submissions (4):

Labcorp Genetics (formerly Invitae), Labcorp
Classification: Uncertain significance for Glycogen storage disease, type II. Last evaluated: 2022-05-27. Review status: criteria provided, single submitter. Criteria: Invitae Variant Classification Sherloc (09022015). Collection method: clinical testing. Allele origin: germline.
Comment: This sequence change replaces valine, which is neutral and non-polar, with methionine, which is neutral and non-polar, at codon 740 of the GAA protein (p.Val740Met). This variant is present in population databases (rs752122499, gnomAD 0.0009%). This variant has not been reported in the literature in individuals affected with GAA-related conditions. ClinVar contains an entry for this variant (Variation ID: 456395). Advanced modeling of protein sequence and biophysical properties (such as structural, functional, and spatial information, amino acid conservation, physicochemical variation, residue mobility, and thermodynamic stability) performed at Invitae indicates that this missense variant is expected to disrupt GAA protein function. In summary, the available evidence is currently insufficient to determine the role of this variant in disease. Therefore, it has been classified as a Variant of Uncertain Significance.

Ambry Genetics
Classification: Uncertain significance for Cardiovascular phenotype. Last evaluated: 2021-12-24. Review status: criteria provided, single submitter. Criteria: Ambry Variant Classification Scheme 2023. Collection method: clinical testing. Allele origin: germline.
Comment: The p.V740M variant (also known as c.2218G>A), located in coding exon 15 of the GAA gene, results from a G to A substitution at nucleotide position 2218. The valine at codon 740 is replaced by methionine, an amino acid with highly similar properties. This amino acid position is conserved. In addition, the in silico prediction for this alteration is inconclusive. Since supporting evidence is limited at this time, the clinical significance of this alteration remains unclear.

Genome-Nilou Lab
Classification: Uncertain significance for Glycogen storage disease, type II. Last evaluated: 2021-09-05. Review status: criteria provided, single submitter. Criteria: ACMG Guidelines, 2015. Collection method: clinical testing. Allele origin: germline. Affected: no.

Illumina Laboratory Services, Illumina
Classification: Uncertain significance for Glycogen storage disease, type II. Last evaluated: 2018-01-13. Review status: criteria provided, single submitter. Criteria: ICSL Variant Classification Criteria 13 December 2019. Collection method: clinical testing. Allele origin: germline.

NM_000152.5(GAA):c.2218G>A (p.Val740Met)

Gene: GAA (alpha glucosidase; plus strand). Cytogenetic location: 17q25.3.
Variant type: single nucleotide variant.
Coding change: c.2218G>A on transcript NM_000152.5 (MANE Select); coding-DNA position 2218, G replaced by A.
Protein change: p.Val740Met; replaces valine 740 with methionine.
Molecular consequence: missense variant.
Genome position (GRCh38, 1-based): chr17:80,116,996, G>A. VCF-style: chr17-80116996-G-A. GRCh37 (hg19) VCF-style: chr17-78090795-G-A.
Other names: c.2218G>A (LRG_673t1); c.2218G>A, p.Val740Met (NM_001079803.3, NM_001079804.3); short protein forms V740M.
Identifiers: ClinVar variation 456395 (VCV000456395.13), dbSNP rs752122499, ClinGen allele CA8815659.